The following is an entry in ClinVar:

NM_006864.4(LILRB3):c.411G>A (p.Gly137=)

Gene: LILRB3 (leukocyte immunoglobulin like receptor B3; minus strand). Cytogenetic location: 19q13.42.
Variant type: single nucleotide variant.
Coding change: c.411G>A on transcript NM_006864.4 (MANE Select); coding-DNA position 411, G replaced by A.
Protein change: p.Gly137=; no amino-acid change (glycine 137 retained).
Molecular consequence: synonymous variant. On other transcripts: non-coding transcript variant (4).
Genome position (GRCh38, 1-based): chr19:54,222,075, C>T on the plus strand (G>A on the coding strand, the complement: LILRB3 is on the minus strand). VCF-style: chr19-54222075-C-T. GRCh37 (hg19) VCF-style: chr19-54725947-C-T.
Other names: c.411G>A, p.Gly137= (NM_001081450.3, NM_001320960.2).
Identifiers: ClinVar variation 3770841 (VCV003770841.13).

ClinVar aggregate classification (germline): Likely benign (1 of 4 stars; one submission).

Submission:

CeGaT Center for Human Genetics Tuebingen
Classification: Likely benign. Last evaluated: 2026-02-01. Review status: criteria provided, single submitter. Criteria: CeGaT Center For Human Genetics Tuebingen Variant Classification Criteria Version 2. Collection method: clinical testing. Allele origin: germline. Affected: yes. Observed: 2 variant alleles.
Comment: LILRB3: BP4, BP7